The following is an entry in ClinVar:

NM_001365536.1(SCN9A):c.5675C>A (p.Ser1892Tyr)

Genes: SCN1A-AS1 (SCN1A and SCN9A antisense RNA 1; plus strand), SCN9A (sodium voltage-gated channel alpha subunit 9; minus strand). Cytogenetic location: 2q24.3.
Variant type: single nucleotide variant.
Coding change: c.5675C>A on transcript NM_001365536.1 (MANE Select); coding-DNA position 5675, C replaced by A.
Protein change: p.Ser1892Tyr; replaces serine 1892 with tyrosine.
Molecular consequence: missense variant.
Genome position (GRCh38, 1-based): chr2:166,198,964, G>T on the plus strand (C>A on the coding strand, the complement: SCN9A is on the minus strand). VCF-style: chr2-166198964-G-T. GRCh37 (hg19) VCF-style: chr2-167055474-G-T.
Other names: c.5642C>A, p.Ser1881Tyr (NM_002977.4); short protein forms S1881Y, S1892Y.
Identifiers: ClinVar variation 657957 (VCV000657957.11), dbSNP rs746965222, ClinGen allele CA1943637.

ClinVar aggregate classification (germline): Uncertain significance. Review status: criteria provided, multiple submitters, no conflicts (2 of 4 stars). 2 submissions from 2 submitters: Uncertain significance (2). Last evaluated 2024-03-07.

Conditions:
Inborn genetic diseases. Identifiers: MedGen C0950123, MeSH D030342.
Generalized epilepsy with febrile seizures plus, type 7 (GEFSP7). Also called: GEFS+, TYPE 7. Identifiers: Orphanet 36387, MedGen C2751778, MONDO:0013470, OMIM 613863.
Neuropathy, hereditary sensory and autonomic, type 2A (HSAN2A). Also called: WNK1-Related HSAN2 (HSAN2A); MORVAN DISEASE; NEUROPATHY, CONGENITAL SENSORY; NEUROPATHY, HEREDITARY SENSORY RADICULAR, AUTOSOMAL RECESSIVE; NEUROPATHY, HEREDITARY SENSORY, TYPE IIA; NEUROPATHY, PROGRESSIVE SENSORY, OF CHILDREN. Identifiers: Orphanet 970, MedGen C2752089, MONDO:0024309, OMIM 201300.

Allele frequency attached by ClinVar (database versions not stated): gnomAD 0.00001; gnomAD exomes 0.00001; TOPMed 0.00001; ExAC 0.00002.
gnomAD v4.1: 10 of 1,613,864 alleles (0.00062%); highest among the groups gnomAD compares: Non-Finnish European, 0.00085%; no homozygotes.

Submissions (2):

Ambry Genetics
Classification: Uncertain significance for Inborn genetic diseases. Last evaluated: 2024-03-07. Review status: criteria provided, single submitter. Criteria: Ambry Variant Classification Scheme 2023. Collection method: clinical testing. Allele origin: germline.

Labcorp Genetics (formerly Invitae), Labcorp
Classification: Uncertain significance for Neuropathy, hereditary sensory and autonomic, type 2A; Generalized epilepsy with febrile seizures plus, type 7. Last evaluated: 2024-02-17. Review status: criteria provided, single submitter. Criteria: Invitae Variant Classification Sherloc (09022015). Collection method: clinical testing. Allele origin: germline.
Comment: This sequence change replaces serine, which is neutral and polar, with tyrosine, which is neutral and polar, at codon 1881 of the SCN9A protein (p.Ser1881Tyr). This variant is present in population databases (rs746965222, gnomAD 0.003%). This variant has not been reported in the literature in individuals affected with SCN9A-related conditions. ClinVar contains an entry for this variant (Variation ID: 657957). Advanced modeling of protein sequence and biophysical properties (such as structural, functional, and spatial information, amino acid conservation, physicochemical variation, residue mobility, and thermodynamic stability) has been performed at Invitae for this missense variant, however the output from this modeling did not meet the statistical confidence thresholds required to predict the impact of this variant on SCN9A protein function. In summary, the available evidence is currently insufficient to determine the role of this variant in disease. Therefore, it has been classified as a Variant of Uncertain Significance.